The following is an entry in ClinVar:

NM_002661.5(PLCG2):c.1984A>C (p.Arg662=)

Gene: PLCG2 (phospholipase C gamma 2; plus strand). Cytogenetic location: 16q23.3.
Variant type: single nucleotide variant.
Coding change: c.1984A>C on transcript NM_002661.5 (MANE Select); coding-DNA position 1984, A replaced by C.
Protein change: p.Arg662=; no amino-acid change (arginine 662 retained).
Molecular consequence: synonymous variant.
Genome position (GRCh38, 1-based): chr16:81,912,646, A>C. VCF-style: chr16-81912646-A-C. GRCh37 (hg19) VCF-style: chr16-81946251-A-C.
Other names: p.Arg662=; c.1984A>C, p.Arg662= (NM_001425749.1, NM_001425750.1, NM_001425751.1).
Identifiers: ClinVar variation 4684109 (VCV004684109.1).

ClinVar aggregate classification (germline): Likely benign (1 of 4 stars; one submission).

gnomAD v4.1: 43 of 1,613,238 alleles (0.0027%); highest among the groups gnomAD compares: Non-Finnish European, 0.0036%; no homozygotes.

Submission:

Mayo Clinic Laboratories, Mayo Clinic
Classification: Likely benign. Last evaluated: 2024-06-04. Review status: criteria provided, single submitter. Criteria: ACMG Guidelines, 2015. Collection method: clinical testing. Allele origin: germline. Observed: 1 variant allele.
Comment: BP4, BP7